The following is an entry in ClinVar:

ClinVar aggregate classification (germline): Uncertain significance (1 of 4 stars; one submission).

Conditions:
Inborn genetic diseases. Identifiers: MedGen C0950123, MeSH D030342.

Submission:

Ambry Genetics
Classification: Uncertain significance for Inborn genetic diseases. Last evaluated: 2026-07-02. Review status: criteria provided, single submitter. Criteria: Ambry Variant Classification Scheme 2023. Collection method: clinical testing. Allele origin: germline.
Comment: The p.P127L variant (also known as c.380C>T), located in coding exon 1 of the CEBPA gene, results from a C to T substitution at nucleotide position 380. The proline at codon 127 is replaced by leucine, an amino acid with similar properties. This amino acid position is conserved. In addition, this alteration is predicted to be tolerated by in silico analysis. Based on the available evidence, the clinical significance of this variant remains unclear.

NM_004364.5(CEBPA):c.380C>T (p.Pro127Leu)

Gene: CEBPA (CCAAT enhancer binding protein alpha; minus strand). Cytogenetic location: 19q13.11.
Variant type: single nucleotide variant.
Coding change: c.380C>T on transcript NM_004364.5 (MANE Select); coding-DNA position 380, C replaced by T.
Protein change: p.Pro127Leu; replaces proline 127 with leucine.
Molecular consequence: missense variant.
Genome position (GRCh38, 1-based): chr19:33,302,035, G>A on the plus strand (C>T on the coding strand, the complement: CEBPA is on the minus strand). VCF-style: chr19-33302035-G-A. GRCh37 (hg19) VCF-style: chr19-33792941-G-A.
Other names: c.23C>T, p.Pro8Leu (NM_001285829.2); c.485C>T, p.Pro162Leu (NM_001287424.2); c.338C>T, p.Pro113Leu (NM_001287435.2); short protein forms P162L, P127L, P113L, P8L.
Identifiers: ClinVar variation 5034269 (VCV005034269.1).
Genomic context (GRCh38, chr19:33,302,035, plus strand): 5'-TACAGGGGCTCCAGCCTGCCGTCCAGGTAGCCGGCGGCCGCGCAGCCGTAGCCGGGCGGG[G>A]GCCCGTGCGCTCCCCCGGGCATGACGGCGCCGCCGGGGCCCGCGGGCGCGCCCGGGTAGT-3'
Protein context (NP_004355.2, residues 117-137): GAVMPGGAHG[Pro127Leu]PPGYGCAAAG